The following is an entry in ClinVar:

ClinVar aggregate classification (germline): Uncertain significance (1 of 4 stars; one submission).

Allele frequency attached by ClinVar (database versions not stated): gnomAD exomes below 0.00001.

Submission:

Labcorp Genetics (formerly Invitae), Labcorp
Classification: Uncertain significance. Last evaluated: 2021-09-15. Review status: criteria provided, single submitter. Criteria: Invitae Variant Classification Sherloc (09022015). Collection method: clinical testing. Allele origin: germline.
Comment: This sequence change replaces valine with isoleucine at codon 526 of the MCM3AP protein (p.Val526Ile). The valine residue is weakly conserved and there is a small physicochemical difference between valine and isoleucine. In summary, the available evidence is currently insufficient to determine the role of this variant in disease. Therefore, it has been classified as a Variant of Uncertain Significance. Algorithms developed to predict the effect of missense changes on protein structure and function (SIFT, PolyPhen-2, Align-GVGD) all suggest that this variant is likely to be tolerated. This variant has not been reported in the literature in individuals affected with MCM3AP-related conditions. This variant is not present in population databases (ExAC no frequency).

NM_003906.5(MCM3AP):c.1576G>A (p.Val526Ile)

Gene: MCM3AP (minichromosome maintenance complex component 3 associated protein; minus strand). Cytogenetic location: 21q22.3.
Variant type: single nucleotide variant.
Coding change: c.1576G>A on transcript NM_003906.5 (MANE Select); coding-DNA position 1576, G replaced by A.
Protein change: p.Val526Ile; replaces valine 526 with isoleucine.
Molecular consequence: missense variant.
Genome position (GRCh38, 1-based): chr21:46,280,084, C>T on the plus strand (G>A on the coding strand, the complement: MCM3AP is on the minus strand). VCF-style: chr21-46280084-C-T. GRCh37 (hg19) VCF-style: chr21-47699998-C-T.
Other names: short protein forms V526I.
Identifiers: ClinVar variation 1434672 (VCV001434672.6), dbSNP rs2145715888, ClinGen allele CA410529402.